The following is an entry in ClinVar:

NM_030943.4(AMN):c.140C>T (p.Ala47Val)

Gene: AMN (amnion associated transmembrane protein; plus strand). Cytogenetic location: 14q32.32.
Variant type: single nucleotide variant.
Coding change: c.140C>T on transcript NM_030943.4 (MANE Select); coding-DNA position 140, C replaced by T.
Protein change: p.Ala47Val; replaces alanine 47 with valine.
Molecular consequence: missense variant.
Genome position (GRCh38, 1-based): chr14:102,923,807, C>T. VCF-style: chr14-102923807-C-T. GRCh37 (hg19) VCF-style: chr14-103390144-C-T.
Other names: short protein forms A47V.
Identifiers: ClinVar variation 2052203 (VCV002052203.2), dbSNP rs373815557, ClinGen allele CA7359743.

ClinVar aggregate classification (germline): Uncertain significance. Review status: criteria provided, multiple submitters, no conflicts (2 of 4 stars). 2 submissions from 2 submitters: Uncertain significance (2). Last evaluated 2022-12-06.

Conditions:
Imerslund-Grasbeck syndrome. Also called: Imerslund-Gräsbeck syndrome; PERNICIOUS ANEMIA, JUVENILE, DUE TO SELECTIVE INTESTINAL MALABSORPTION OF VITAMIN B12, WITH PROTEINURIA; ENTEROCYTE COBALAMIN MALABSORPTION; ENTEROCYTE INTRINSIC FACTOR RECEPTOR, DEFECT OF; Megaloblastic anemia due to inborn errors of metabolism. Identifiers: Orphanet 35858, MedGen C4551825, MONDO:0009853.
Inborn genetic diseases. Identifiers: MedGen C0950123, MeSH D030342.

Allele frequency attached by ClinVar (database versions not stated): ExAC 0.00003; TOPMed 0.00003; gnomAD 0.00006; gnomAD exomes 0.00007; ESP Exome Variant Server 0.00008.
gnomAD v4.1: 122 of 1,612,502 alleles (0.0076%); highest among the groups gnomAD compares: Non-Finnish European, 0.0091%; no homozygotes.

Submissions (2):

Ambry Genetics
Classification: Uncertain significance for Inborn genetic diseases. Last evaluated: 2022-12-06. Review status: criteria provided, single submitter. Criteria: Ambry Variant Classification Scheme 2023. Collection method: clinical testing. Allele origin: germline.

Labcorp Genetics (formerly Invitae), Labcorp
Classification: Uncertain significance for Imerslund-Grasbeck syndrome. Last evaluated: 2022-03-18. Review status: criteria provided, single submitter. Criteria: Invitae Variant Classification Sherloc (09022015). Collection method: clinical testing. Allele origin: germline.
Comment: This sequence change replaces alanine, which is neutral and non-polar, with valine, which is neutral and non-polar, at codon 47 of the AMN protein (p.Ala47Val). The frequency data for this variant in the population databases is considered unreliable, as metrics indicate poor data quality at this position in the gnomAD database. This variant has not been reported in the literature in individuals affected with AMN-related conditions. Algorithms developed to predict the effect of missense changes on protein structure and function output the following: SIFT: "Tolerated"; PolyPhen-2: "Benign"; Align-GVGD: "Class C0". The valine amino acid residue is found in multiple mammalian species, which suggests that this missense change does not adversely affect protein function. In summary, the available evidence is currently insufficient to determine the role of this variant in disease. Therefore, it has been classified as a Variant of Uncertain Significance.